The following is an entry in ClinVar:

ClinVar aggregate classification (germline): Uncertain significance (1 of 4 stars; one submission).

Conditions:
Inborn genetic diseases. Identifiers: MedGen C0950123, MeSH D030342.

Submission:

Ambry Genetics
Classification: Uncertain significance for Inborn genetic diseases. Last evaluated: 2025-10-25. Review status: criteria provided, single submitter. Criteria: Ambry Variant Classification Scheme 2023. Collection method: clinical testing. Allele origin: germline.
Comment: The p.G27V variant (also known as c.80G>T), located in coding exon 1 of the ANKRD26 gene, results from a G to T substitution at nucleotide position 80. The glycine at codon 27 is replaced by valine, an amino acid with dissimilar properties. This amino acid position is conserved. In addition, this alteration is predicted to be tolerated by in silico analysis. Based on the available evidence, the clinical significance of this variant remains unclear.

NM_014915.3(ANKRD26):c.80G>T (p.Gly27Val)

Genes: ANKRD26 (ankyrin repeat domain 26; minus strand), LOC130003554 (ATAC-STARR-seq lymphoblastoid silent region 2243; plus strand). Cytogenetic location: 10p12.1.
Variant type: single nucleotide variant.
Coding change: c.80G>T on transcript NM_014915.3 (MANE Select); coding-DNA position 80, G replaced by T.
Protein change: p.Gly27Val; replaces glycine 27 with valine.
Molecular consequence: missense variant.
Genome position (GRCh38, 1-based): chr10:27,100,247, C>A on the plus strand (G>T on the coding strand, the complement: ANKRD26 is on the minus strand). VCF-style: chr10-27100247-C-A. GRCh37 (hg19) VCF-style: chr10-27389176-C-A.
Other names: c.80G>T, p.Gly27Val (NM_001256053.2); short protein forms G27V.
Identifiers: ClinVar variation 4579645 (VCV004579645.1).